The following is an entry in ClinVar:

NM_005327.7(HADH):c.34G>A (p.Val12Met)

Gene: HADH (hydroxyacyl-CoA dehydrogenase; plus strand). Cytogenetic location: 4q25.
Variant type: single nucleotide variant.
Coding change: c.34G>A on transcript NM_005327.7 (MANE Select); coding-DNA position 34, G replaced by A.
Protein change: p.Val12Met; replaces valine 12 with methionine.
Molecular consequence: missense variant.
Genome position (GRCh38, 1-based): chr4:107,989,966, G>A. VCF-style: chr4-107989966-G-A. GRCh37 (hg19) VCF-style: chr4-108911122-G-A.
Other names: c.34G>A, p.Val12Met (NM_001184705.4); short protein forms V12M.
Identifiers: ClinVar variation 1441272 (VCV001441272.5), dbSNP rs139920805, ClinGen allele CA3037310.

ClinVar aggregate classification (germline): Uncertain significance (1 of 4 stars; one submission).

Conditions:
Deficiency of 3-hydroxyacyl-CoA dehydrogenase. Also called: HADH DEFICIENCY; 3-hydroxyacyl-CoA dehydrogenase deficiency. Identifiers: Orphanet 309127, Orphanet 71212, MedGen C1291230, MONDO:0017715, OMIM 231530.

Allele frequency attached by ClinVar (database versions not stated): ExAC 0.00001; gnomAD exomes 0.00001; TOPMed 0.00001; gnomAD 0.00002; ESP Exome Variant Server 0.00008.
gnomAD v4.1: 11 of 1,612,830 alleles (0.00068%); highest among the groups gnomAD compares: Non-Finnish European, 0.00093%; no homozygotes.

Submission:

Labcorp Genetics (formerly Invitae), Labcorp
Classification: Uncertain significance for Deficiency of 3-hydroxyacyl-CoA dehydrogenase. Last evaluated: 2024-12-03. Review status: criteria provided, single submitter. Criteria: Invitae Variant Classification Sherloc (09022015). Collection method: clinical testing. Allele origin: germline.
Comment: This sequence change replaces valine, which is neutral and non-polar, with methionine, which is neutral and non-polar, at codon 12 of the HADH protein (p.Val12Met). The frequency data for this variant in the population databases is considered unreliable, as metrics indicate poor data quality at this position in the gnomAD database. This variant has not been reported in the literature in individuals affected with HADH-related conditions. ClinVar contains an entry for this variant (Variation ID: 1441272). An algorithm developed to predict the effect of missense changes on protein structure and function outputs the following: PolyPhen-2: "Benign". The methionine amino acid residue is found in multiple mammalian species, which suggests that this missense change does not adversely affect protein function. In summary, the available evidence is currently insufficient to determine the role of this variant in disease. Therefore, it has been classified as a Variant of Uncertain Significance.